The following is an entry in ClinVar:

NM_000138.5(FBN1):c.5277T>G (p.Ile1759Met)

Gene: FBN1 (fibrillin 1; minus strand). Cytogenetic location: 15q21.1.
Variant type: single nucleotide variant.
Coding change: c.5277T>G on transcript NM_000138.5 (MANE Select); coding-DNA position 5277, T replaced by G.
Protein change: p.Ile1759Met; replaces isoleucine 1759 with methionine.
Molecular consequence: missense variant.
Genome position (GRCh38, 1-based): chr15:48,460,265, A>C on the plus strand (T>G on the coding strand, the complement: FBN1 is on the minus strand). VCF-style: chr15-48460265-A-C. GRCh37 (hg19) VCF-style: chr15-48752462-A-C.
Other names: c.5277T>G, p.Ile1759Met (NM_001406716.1); short protein forms I1759M.
Identifiers: ClinVar variation 1710205 (VCV001710205.7), dbSNP rs2505485471, ClinGen allele CA392347987.

ClinVar aggregate classification (germline): Uncertain significance. Review status: criteria provided, single submitter (1 of 4 stars). 2 submissions from 2 submitters: Uncertain significance (1). 1 of the submissions does not count toward it. Last evaluated 2024-11-10.

Conditions:
Marfan syndrome (MFS). Also called: Marfan's syndrome; Marfan syndrome, classic; MARFAN SYNDROME, TYPE I; Marfan syndrome type 1; FBN1-Related Marfan Syndrome. Identifiers: Orphanet 284963, Orphanet 558, MedGen C0024796, MONDO:0007947, OMIM 154700.
Familial thoracic aortic aneurysm and aortic dissection (TAAD). Also called: Thoracic aortic aneurysms and dissections. Identifiers: Orphanet 91387, MedGen C4707243, MONDO:0019625.

Submissions (2):

Labcorp Genetics (formerly Invitae), Labcorp
Classification: Uncertain significance for Marfan syndrome; Familial thoracic aortic aneurysm and aortic dissection. Last evaluated: 2024-11-10. Review status: criteria provided, single submitter. Criteria: Invitae Variant Classification Sherloc (09022015). Collection method: clinical testing. Allele origin: germline.
Comment: This sequence change replaces isoleucine, which is neutral and non-polar, with methionine, which is neutral and non-polar, at codon 1759 of the FBN1 protein (p.Ile1759Met). This variant is not present in population databases (gnomAD no frequency). This variant has not been reported in the literature in individuals affected with FBN1-related conditions. ClinVar contains an entry for this variant (Variation ID: 1710205). Invitae Evidence Modeling of protein sequence and biophysical properties (such as structural, functional, and spatial information, amino acid conservation, physicochemical variation, residue mobility, and thermodynamic stability) indicates that this missense variant is not expected to disrupt FBN1 protein function with a negative predictive value of 95%. In summary, the available evidence is currently insufficient to determine the role of this variant in disease. Therefore, it has been classified as a Variant of Uncertain Significance.

Clinical Genetics Laboratory, University Hospital Schleswig-Holstein
Classification: Likely pathogenic for Marfan syndrome. Last evaluated: 2022-02-01. Review status: no assertion criteria provided. Collection method: clinical testing. Allele origin: germline. Affected: yes. Not counted in ClinVar's aggregate classification.